The following is an entry in ClinVar:

ClinVar aggregate classification (germline): Uncertain significance (0 of 4 stars; one submission).

Conditions:
BICRA-related disorder. Also called: BICRA-related condition.

Allele frequency attached by ClinVar (database versions not stated): gnomAD 0.00002.

Submission:

PreventionGenetics, part of Exact Sciences
Classification: Uncertain significance for BICRA-related condition. Last evaluated: 2023-11-06. Review status: no assertion criteria provided. Collection method: clinical testing. Allele origin: germline.
Comment: The BICRA c.1181C>A variant is predicted to result in the amino acid substitution p.Pro394Gln. To our knowledge, this variant has not been reported in the literature or in a large population database, indicating this variant is rare. At this time, the clinical significance of this variant is uncertain due to the absence of conclusive functional and genetic evidence.

NM_001394372.1(BICRA):c.1181C>A (p.Pro394Gln)

Gene: BICRA (BRD4 interacting chromatin remodeling complex associated protein; plus strand). Cytogenetic location: 19q13.33.
Variant type: single nucleotide variant.
Coding change: c.1181C>A on transcript NM_001394372.1 (MANE Select); coding-DNA position 1181, C replaced by A.
Protein change: p.Pro394Gln; replaces proline 394 with glutamine.
Molecular consequence: missense variant.
Genome position (GRCh38, 1-based): chr19:47,680,351, C>A. VCF-style: chr19-47680351-C-A. GRCh37 (hg19) VCF-style: chr19-48183608-C-A.
Other names: c.1181C>A, p.Pro394Gln (NM_015711.3); short protein forms P394Q.
Identifiers: ClinVar variation 3030757 (VCV003030757.2), dbSNP rs1017494973, ClinGen allele CA406612192.